The following is an entry in ClinVar:

ClinVar aggregate classification (germline): Uncertain significance. Review status: criteria provided, multiple submitters, no conflicts (2 of 4 stars). 2 submissions from 2 submitters: Uncertain significance (2). Last evaluated 2026-08-17.

Conditions:
Cardiovascular phenotype. Identifiers: MedGen CN230736.

gnomAD v4.1: 6 of 1,614,106 alleles (0.00037%); highest among the groups gnomAD compares: Admixed American, 0.0083%; no homozygotes.

Submissions (2):

Ambry Genetics
Classification: Uncertain significance for Cardiovascular phenotype. Last evaluated: 2026-08-17. Review status: criteria provided, single submitter. Criteria: Ambry Variant Classification Scheme 2023. Collection method: clinical testing. Allele origin: germline.

GeneDx
Classification: Uncertain significance. Last evaluated: 2024-05-21. Review status: criteria provided, single submitter. Criteria: GeneDx Variant Classification Process June 2021. Collection method: clinical testing. Allele origin: germline. Affected: yes.
Comment: In silico analysis supports that this missense variant has a deleterious effect on protein structure/function; Occurs at a non-Glycine residue within the collagen triple-helical region containing Gly-X-Y repeats, however, substitutions of Glycine residues in these Gly-X-Y motifs within the triple helical regions of the protein represent the vast majority of pathogenic missense variants (HGMD); Has not been previously published as pathogenic or benign to our knowledge

NM_000089.4(COL1A2):c.3272C>G (p.Pro1091Arg)

Gene: COL1A2 (collagen type I alpha 2 chain; plus strand). Cytogenetic location: 7q21.3.
Variant type: single nucleotide variant.
Coding change: c.3272C>G on transcript NM_000089.4 (MANE Select); coding-DNA position 3272, C replaced by G.
Protein change: p.Pro1091Arg; replaces proline 1091 with arginine.
Molecular consequence: missense variant.
Genome position (GRCh38, 1-based): chr7:94,427,631, C>G. VCF-style: chr7-94427631-C-G. GRCh37 (hg19) VCF-style: chr7-94056943-C-G.
Other names: short protein forms P1091R.
Identifiers: ClinVar variation 3381402 (VCV003381402.2).